The following is an entry in ClinVar:

NM_007194.4(CHEK2):c.619GAT[1] (p.Asp208del)

Gene: CHEK2 (checkpoint kinase 2; minus strand). Cytogenetic location: 22q12.1.
Variant type: Microsatellite.
Coding change: c.619GAT[1] on transcript NM_007194.4 (MANE Select); one copy of the 3-base unit GAT starting at c.619; the reference has two copies in a row; one copy, 3 bases deleted.
Protein change: p.Asp208del; deletes aspartic acid 208.
Molecular consequence: inframe deletion. On other transcripts: 5 prime UTR variant (2), intron variant (1).
Genome position (GRCh38, 1-based): chr22:28,719,454-28,719,456, ATC deleted on the plus strand (GAT on the coding strand, the reverse complement: CHEK2 is on the minus strand); deleting any 3 consecutive bases within chr22:28,719,454-28,719,459 gives the same sequence; the position shown is the placement nearest the transcript's 3' end. VCF-style (leftmost placement, unchanged base first): chr22-28719453-GATC-G. GRCh37 (hg19) VCF-style: chr22-29115441-GATC-G.
Other names: c.622_624delGAT (NM_007194.3); c.748GAT[1], p.Asp251del (NM_001005735.3, NM_001438294.1); c.-45GAT[1] (NM_001257387.3, NM_001437942.1); c.712GAT[1], p.Asp239del (NM_001438293.1, NM_001438295.1); c.619GAT[1], p.Asp208del (NM_145862.3); c.482+5430_482+5432del (NM_001349956.3); short protein forms D251del, D208del, D239del.
Identifiers: ClinVar variation 630504 (VCV000630504.8), dbSNP rs1385692387, ClinGen allele CA638800825.
Genomic context (GRCh38, chr22:28,719,453, plus strand): 5'-ACCTTCCAAGAGTTTTTGACATGATGTATTCATCTCTTAATGCCTTAGGATAAACTGACT[GATC>G]ATCTACAGTCAGATCAAAAAAGACAAAAACTAAGGAAGAAAAGAGTAGAAATGGGTTTCA-3'

ClinVar aggregate classification (germline): Uncertain significance. Review status: criteria provided, multiple submitters, no conflicts (2 of 4 stars). 3 submissions from 3 submitters: Uncertain significance (3). Last evaluated 2025-06-30.

Conditions:
Hereditary cancer-predisposing syndrome. Also called: Tumor predisposition; Neoplastic Syndromes, Hereditary; Hereditary neoplastic syndrome; Hereditary Cancer Syndrome. Identifiers: Orphanet 140162, MedGen C0027672, MeSH D009386, MONDO:0015356.
Familial cancer of breast. Also called: hereditary breast carcinoma; BREAST CANCER, FAMILIAL; Hereditary breast cancer. Identifiers: Orphanet 227535, MedGen C0346153, MONDO:0016419, OMIM 114480. Disease mechanism: loss of function.

Submissions (3):

Labcorp Genetics (formerly Invitae), Labcorp
Classification: Uncertain significance for Familial cancer of breast. Last evaluated: 2025-06-30. Review status: criteria provided, single submitter. Criteria: Invitae Variant Classification Sherloc (09022015). Collection method: clinical testing. Allele origin: germline.
Comment: This variant, c.622_624del, results in the deletion of 1 amino acid(s) of the CHEK2 protein (p.Asp208del), but otherwise preserves the integrity of the reading frame. This variant is present in population databases (no rsID available, gnomAD 0.001%). This variant has not been reported in the literature in individuals affected with CHEK2-related conditions. ClinVar contains an entry for this variant (Variation ID: 630504). Experimental studies and prediction algorithms are not available or were not evaluated, and the functional significance of this variant is currently unknown. In summary, the available evidence is currently insufficient to determine the role of this variant in disease. Therefore, it has been classified as a Variant of Uncertain Significance.

Ambry Genetics
Classification: Uncertain significance for Hereditary cancer-predisposing syndrome. Last evaluated: 2023-04-03. Review status: criteria provided, single submitter. Criteria: Ambry Variant Classification Scheme 2023. Collection method: clinical testing. Allele origin: germline.
Comment: The c.622_624delGAT variant (also known as p.D208del) is located in coding exon 4 of the CHEK2 gene. This variant results from an in-frame GAT deletion at nucleotide positions 622 to 624. This results in the in-frame deletion of an aspartic acid at codon 208. This amino acid position is highly conserved in available vertebrate species. In addition, this alteration is predicted to be deleterious by in silico analysis (Choi Y et al. PLoS ONE. 2012; 7(10):e46688). Since supporting evidence is limited at this time, the clinical significance of this alteration remains unclear.

Color Diagnostics, LLC DBA Color Health
Classification: Uncertain significance for Hereditary cancer-predisposing syndrome. Last evaluated: 2018-11-19. Review status: criteria provided, single submitter. Criteria: ACMG Guidelines, 2015. Collection method: clinical testing. Allele origin: germline.